The following is an entry in ClinVar:

NM_022436.3(ABCG5):c.1875G>C (p.Leu625=)

Genes: ABCG5 (ATP binding cassette subfamily G member 5; minus strand), DYNC2LI1 (dynein cytoplasmic 2 light intermediate chain 1; plus strand). Cytogenetic location: 2p21.
Variant type: single nucleotide variant.
Coding change: c.1875G>C on transcript NM_022436.3 (MANE Select); coding-DNA position 1875, G replaced by C.
Protein change: p.Leu625=; no amino-acid change (leucine 625 retained).
Molecular consequence: synonymous variant. On other transcripts: intron variant (2).
Genome position (GRCh38, 1-based): chr2:43,813,197, C>G on the plus strand (G>C on the coding strand, the complement: ABCG5 is on the minus strand). VCF-style: chr2-43813197-C-G. GRCh37 (hg19) VCF-style: chr2-44040336-C-G.
Other names: c.*15+2673C>G (NM_001348913.2, NM_001348912.2).
Identifiers: ClinVar variation 3309606 (VCV003309606.2).

ClinVar aggregate classification (germline): Likely benign. Review status: criteria provided, multiple submitters, no conflicts (2 of 4 stars). 2 submissions from 2 submitters: Likely benign (2). Last evaluated 2026-05-13.

Conditions:
Cardiovascular phenotype. Identifiers: MedGen CN230736.
ABCG5-related disorder. Also called: ABCG5-related condition.

gnomAD v4.1: 2 of 1,601,518 alleles (0.00012%); highest among the groups gnomAD compares: Non-Finnish European, 0.000086%; no homozygotes.

Submissions (2):

PreventionGenetics, part of Exact Sciences
Classification: Likely benign for ABCG5-related condition. Last evaluated: 2026-05-13. Review status: criteria provided, single submitter. Criteria: ACMG Guidelines, 2015. Collection method: clinical testing. Allele origin: germline.
Comment: This variant is classified as likely benign based on ACMG/AMP sequence variant interpretation guidelines (Richards et al. 2015 PMID: 25741868, with internal and published modifications).

Ambry Genetics
Classification: Likely benign for Cardiovascular phenotype. Last evaluated: 2024-03-30. Review status: criteria provided, single submitter. Criteria: Ambry Variant Classification Scheme 2023. Collection method: clinical testing. Allele origin: germline.